The following is an entry in ClinVar:

ClinVar aggregate classification (germline): Conflicting classifications of pathogenicity. Review status: criteria provided, conflicting classifications (1 of 4 stars). 2 submissions from 2 submitters: Uncertain significance (1); Likely benign (1). Last evaluated 2025-08-04.

Conditions:
Inborn genetic diseases. Identifiers: MedGen C0950123, MeSH D030342.

gnomAD v4.1: 422 of 1,614,096 alleles (0.026%); highest among the groups gnomAD compares: Admixed American, 0.037%; no homozygotes.

Submissions (2):

Ambry Genetics
Classification: Uncertain significance for Inborn genetic diseases. Last evaluated: 2025-08-04. Review status: criteria provided, single submitter. Criteria: Ambry Variant Classification Scheme 2023. Collection method: clinical testing. Allele origin: germline.

CeGaT Center for Human Genetics Tuebingen
Classification: Likely benign. Last evaluated: 2025-03-01. Review status: criteria provided, single submitter. Criteria: CeGaT Center For Human Genetics Tuebingen Variant Classification Criteria Version 2. Collection method: clinical testing. Allele origin: germline. Affected: yes. Observed: 1 variant allele.
Comment: VPS16: BP4

NM_022575.4(VPS16):c.617C>T (p.Ala206Val)

Gene: VPS16 (VPS16 core subunit of CORVET and HOPS complexes; plus strand). Cytogenetic location: 20p13.
Variant type: single nucleotide variant.
Coding change: c.617C>T on transcript NM_022575.4 (MANE Select); coding-DNA position 617, C replaced by T.
Protein change: p.Ala206Val; replaces alanine 206 with valine.
Molecular consequence: missense variant.
Genome position (GRCh38, 1-based): chr20:2,860,850, C>T. VCF-style: chr20-2860850-C-T. GRCh37 (hg19) VCF-style: chr20-2841496-C-T.
Other names: c.617C>T, p.Ala206Val (NM_080413.3); c.617C>T (NM_022575.2); short protein forms A206V.
Identifiers: ClinVar variation 3777908 (VCV003777908.8).